The following is an entry in ClinVar:

ClinVar aggregate classification (germline): Likely pathogenic (1 of 4 stars; one submission).

Conditions:
Severe combined immunodeficiency disease. Also called: Severe combined immunodeficiency; Severe Combined Immune Deficiency. Identifiers: Orphanet 183660, MedGen C0085110, MeSH D016511, MONDO:0015974, HP:0004430. Inheritance: X-Linked or Autosomal recessive.

gnomAD v4.1: 2 of 595,010 alleles (0.00034%); highest among the groups gnomAD compares: Non-Finnish European, 0.00059%; no homozygotes.

Submission:

Women's Health and Genetics/Laboratory Corporation of America, LabCorp
Classification: Likely pathogenic for Severe combined immunodeficiency disease. Last evaluated: 2025-05-20. Review status: criteria provided, single submitter. Criteria: LabCorp Variant Classification Summary - May 2015. Collection method: clinical testing. Allele origin: germline.
Comment: Variant summary: IL7R c.379+288G>A is located at a position not widely known to affect splicing. Several computational tools predict a significant impact on normal splicing: Three predict the variant creates a 5' donor site. One predict the variant strengthens a cryptic 5' donor site. At least one publication reports experimental evidence that this variant affects mRNA splicing, leading to an insertion of 104 nucleotides and an early termination codon (Butte_2007). The variant was absent in 595700 control chromosomes. c.379+288G>A has been observed in compound heterozygous individual(s) affected with Severe Combined Immunodeficiency (Butte_2007). The following publication has been ascertained in the context of this evaluation (PMID: 17827065). No submitters have cited clinical-significance assessments for this variant to ClinVar. Based on the evidence outlined above, the variant was classified as likely pathogenic.

Literature cited by the submitters: PubMed 17827065.

NM_002185.5(IL7R):c.379+288G>A

Gene: IL7R (interleukin 7 receptor; plus strand). Cytogenetic location: 5p13.2.
Variant type: single nucleotide variant.
Coding change: c.379+288G>A on transcript NM_002185.5 (MANE Select); 288 bases into the intron after coding-DNA position 379, G replaced by A.
Molecular consequence: intron variant.
Genome position (GRCh38, 1-based): chr5:35,867,751, G>A. VCF-style: chr5-35867751-G-A. GRCh37 (hg19) VCF-style: chr5-35867853-G-A.
Other names: c.379+288G>A (NM_001410734.1).
Identifiers: ClinVar variation 3902120 (VCV003902120.1).